The following is an entry in ClinVar:

ClinVar aggregate classification (germline): Benign/Likely benign. Review status: criteria provided, multiple submitters, no conflicts (2 of 4 stars). 3 submissions from 3 submitters: Benign (1); Likely benign (2). Last evaluated 2025-12-23.

Conditions:
Nail-patella syndrome (NPS). Also called: FONG DISEASE; ONYCHOOSTEODYSPLASIA; TURNER-KIESER SYNDROME. Identifiers: Orphanet 2614, MedGen C0027341, MONDO:0008061, OMIM 161200.
Nail-patella-like renal disease. Also called: GLOMERULAR BASEMENT MEMBRANE DISEASE, NAIL-PATELLA SYNDROME TYPE; Focal Segmental Glomerulosclerosis 10. Identifiers: Orphanet 2613, MedGen C0403548, MONDO:0009724, OMIM 256020.

Allele frequency attached by ClinVar (database versions not stated): gnomAD exomes 0.00004 and 0.00016; ExAC 0.00021; 1000 Genomes Project 0.00040; gnomAD 0.00051 and 0.00056; TOPMed 0.00053; 1000 Genomes Project 30x 0.00062; ESP Exome Variant Server 0.00069.
gnomAD v4.1: 143 of 1,614,060 alleles (0.0089%); highest among the groups gnomAD compares: African/African-American, 0.17%; no homozygotes.

Submissions (3):

Labcorp Genetics (formerly Invitae), Labcorp
Classification: Benign. Last evaluated: 2025-12-23. Review status: criteria provided, single submitter. Criteria: Invitae Variant Classification Sherloc (09022015). Collection method: clinical testing. Allele origin: germline.

CeGaT Center for Human Genetics Tuebingen
Classification: Likely benign. Last evaluated: 2023-03-01. Review status: criteria provided, single submitter. Criteria: CeGaT Center For Human Genetics Tuebingen Variant Classification Criteria Version 2. Collection method: clinical testing. Allele origin: germline. Affected: yes. Observed: 1 variant allele.
Comment: LMX1B: BP4, BS1

Fulgent Genetics
Classification: Likely benign for Nail-patella syndrome; Nail-patella-like renal disease. Last evaluated: 2022-02-08. Review status: criteria provided, single submitter. Criteria: ACMG Guidelines, 2015. Collection method: clinical testing. Allele origin: unknown.

NM_001174147.2(LMX1B):c.1059C>T (p.Asp353=)

Gene: LMX1B (LIM homeobox transcription factor 1 beta; plus strand). Cytogenetic location: 9q33.3.
Variant type: single nucleotide variant.
Coding change: c.1059C>T on transcript NM_001174147.2 (MANE Select); coding-DNA position 1059, C replaced by T.
Protein change: p.Asp353=; no amino-acid change (aspartic acid 353 retained).
Molecular consequence: synonymous variant.
Genome position (GRCh38, 1-based): chr9:126,696,301, C>T. VCF-style: chr9-126696301-C-T. GRCh37 (hg19) VCF-style: chr9-129458580-C-T.
Other names: c.1071C>T, p.Asp357= (NM_001174146.2); c.1038C>T, p.Asp346= (NM_002316.4).
Identifiers: ClinVar variation 747613 (VCV000747613.34), dbSNP rs148940265, ClinGen allele CA5242546.